The following is an entry in ClinVar:

NM_001166108.2(PALLD):c.*1829T>C

Genes: CBR4 (carbonyl reductase 4; minus strand), PALLD (palladin, cytoskeletal associated protein; plus strand). Cytogenetic location: 4q32.3.
Variant type: single nucleotide variant.
Coding change: c.*1829T>C on transcript NM_001166108.2 (MANE Select); 1829 bases downstream of the stop codon, T replaced by C.
Molecular consequence: 3 prime UTR variant.
Genome position (GRCh38, 1-based): chr4:168,928,009, T>C. VCF-style: chr4-168928009-T-C. GRCh37 (hg19) VCF-style: chr4-169849160-T-C.
Other names: c.*1624T>C (NM_001166109.2, NM_001166110.2, NM_001367568.1 and 1 more transcripts); c.*1829T>C (NM_001367567.1, NM_001367570.1, NM_016081.4).
Identifiers: ClinVar variation 348066 (VCV000348066.5), dbSNP rs184106989, ClinGen allele CA10618232.
Genomic context (GRCh38, chr4:168,928,009, plus strand): 5'-CTCAATTCATACGTAGTATTTTTTAAAATAATTTTATATCTGTGTACCACCCCATATATT[T>C]CATATTACTGTTTCACATGTACAGCTTTCTACTTCTTTGTAAGAACACCAACCAACCAAG-3'

ClinVar aggregate classification (germline): Benign (1 of 4 stars; one submission).

Conditions:
Pancreatic cancer, susceptibility to, 1. Identifiers: Orphanet 1333, MedGen C1847351, MONDO:0011739, OMIM 606856.

Allele frequency attached by ClinVar (database versions not stated): gnomAD 0.00046 and 0.00054; gnomAD exomes 0.00048; TOPMed 0.00067; 1000 Genomes Project 30x 0.00234; 1000 Genomes Project 0.00280.
gnomAD v4.1: 111 of 195,584 alleles (0.057%); highest among the groups gnomAD compares: East Asian, 0.61%; 1 homozygote.

Submission:

Illumina Laboratory Services, Illumina
Classification: Benign for Pancreatic cancer, susceptibility to, 1. Last evaluated: 2018-01-13. Review status: criteria provided, single submitter. Criteria: ICSL Variant Classification Criteria 13 December 2019. Collection method: clinical testing. Allele origin: germline.
Comment: This variant was observed in the ICSL laboratory as part of a predisposition screen in an ostensibly healthy population. It had not been previously curated by ICSL or reported in the Human Gene Mutation Database (HGMD: prior to June 1st, 2018), and was therefore a candidate for classification through an automated scoring system. Utilizing variant allele frequency, disease prevalence and penetrance estimates, and inheritance mode, an automated score was calculated to assess if this variant is too frequent to cause the disease. Based on the score and internal cut-off values, a variant classified as benign is not then subjected to further curation. The score for this variant resulted in a classification of benign for this disease.